The following is an entry in ClinVar:

ClinVar aggregate classification (germline): Likely benign. Review status: criteria provided, multiple submitters, no conflicts (2 of 4 stars). 5 submissions from 5 submitters: Likely benign (4). 1 of the submissions does not count toward it. Last evaluated 2026-07-01.

Conditions:
Familial hypokalemia-hypomagnesemia (GTLMNS). Also called: gitelman syndrome; HYPOMAGNESEMIA-HYPOKALEMIA, PRIMARY RENOTUBULAR, WITH HYPOCALCIURIA; POTASSIUM AND MAGNESIUM DEPLETION. Identifiers: Orphanet 358, MedGen C0268450, MONDO:0009904, OMIM 263800.

Allele frequency attached by ClinVar (database versions not stated): gnomAD exomes 0.00004 and 0.00011; ExAC 0.00008; 1000 Genomes Project 0.00020; gnomAD 0.00024 and 0.00026; TOPMed 0.00029; 1000 Genomes Project 30x 0.00031.
gnomAD v4.1: 94 of 1,612,162 alleles (0.0058%); highest among the groups gnomAD compares: Admixed American, 0.11%; no homozygotes.

Submissions (5):

CeGaT Center for Human Genetics Tuebingen
Classification: Likely benign. Last evaluated: 2026-07-01. Review status: criteria provided, single submitter. Criteria: CeGaT Center For Human Genetics Tuebingen Variant Classification Criteria Version 2. Collection method: clinical testing. Allele origin: germline. Affected: yes. Observed: 1 variant allele.
Comment: SLC12A3: BP4, BP7

Women's Health and Genetics/Laboratory Corporation of America, LabCorp
Classification: Likely benign. Last evaluated: 2025-10-13. Review status: criteria provided, single submitter. Criteria: LabCorp Variant Classification Summary - May 2015. Collection method: clinical testing. Allele origin: germline.

Labcorp Genetics (formerly Invitae), Labcorp
Classification: Likely benign. Last evaluated: 2025-08-12. Review status: criteria provided, single submitter. Criteria: Invitae Variant Classification Sherloc (09022015). Collection method: clinical testing. Allele origin: germline.

Blueprint Genetics
Classification: Likely benign. Last evaluated: 2024-10-14. Review status: criteria provided, single submitter. Criteria: ACMG Guidelines, 2015. Collection method: clinical testing. Allele origin: germline.

Natera, Inc.
Classification: Uncertain significance for Gitelman syndrome. Last evaluated: 2020-01-17. Review status: no assertion criteria provided. Collection method: clinical testing. Allele origin: germline. Not counted in ClinVar's aggregate classification.

NM_001126108.2(SLC12A3):c.408C>T (p.Phe136=)

Gene: SLC12A3 (solute carrier family 12 member 3; plus strand). Cytogenetic location: 16q13.
Variant type: single nucleotide variant.
Coding change: c.408C>T on transcript NM_001126108.2 (MANE Select); coding-DNA position 408, C replaced by T.
Protein change: p.Phe136=; no amino-acid change (phenylalanine 136 retained).
Molecular consequence: synonymous variant.
Genome position (GRCh38, 1-based): chr16:56,867,195, C>T. VCF-style: chr16-56867195-C-T. GRCh37 (hg19) VCF-style: chr16-56901107-C-T.
Other names: c.408C>T, p.Phe136= (NM_000339.3); c.405C>T, p.Phe135= (NM_001126107.2).
Identifiers: ClinVar variation 745169 (VCV000745169.15), dbSNP rs142561570, ClinGen allele CA8069008.